The following is an entry in ClinVar:

NM_003227.4(TFR2):c.47_48del (p.Pro16fs)

Gene: TFR2 (transferrin receptor 2; minus strand). Cytogenetic location: 7q22.1.
Variant type: Deletion.
Coding change: c.47_48del on transcript NM_003227.4 (MANE Select); coding-DNA positions 47 to 48, 2 bases deleted (CA; older notation c.47_48delCA).
Protein change: p.Pro16fs; shifts the reading frame from proline 16.
Molecular consequence: frameshift variant.
Genome position (GRCh38, 1-based): chr7:100,641,214-100,641,215, TG deleted on the plus strand (CA on the coding strand, the reverse complement: TFR2 is on the minus strand). VCF-style (leftmost placement, unchanged base first): chr7-100641213-TTG-T. GRCh37 (hg19) VCF-style: chr7-100238836-TTG-T.
Other names: short protein forms P16fs.
Identifiers: ClinVar variation 3644756 (VCV003644756.2).

ClinVar aggregate classification (germline): Pathogenic (1 of 4 stars; one submission).

Conditions:
Hereditary hemochromatosis (HFE). Identifiers: MedGen C0392514, MONDO:0006507. Disease mechanism: loss of function.

Submission:

Labcorp Genetics (formerly Invitae), Labcorp
Classification: Pathogenic for Hereditary hemochromatosis. Last evaluated: 2024-03-06. Review status: criteria provided, single submitter. Criteria: Invitae Variant Classification Sherloc (09022015). Collection method: clinical testing. Allele origin: germline.
Comment: This sequence change creates a premature translational stop signal (p.Pro16Glnfs*44) in the TFR2 gene. It is expected to result in an absent or disrupted protein product. Loss-of-function variants in TFR2 are known to be pathogenic (PMID: 23600741, 26029709). This variant is not present in population databases (gnomAD no frequency). This variant has not been reported in the literature in individuals affected with TFR2-related conditions. For these reasons, this variant has been classified as Pathogenic.

Literature cited by the submitters: PubMed 23600741; PubMed 26029709.